The following is an entry in ClinVar:

NM_000439.5(PCSK1):c.1197-9C>T

Genes: CAST (calpastatin; plus strand), PCSK1 (proprotein convertase subtilisin/kexin type 1; minus strand), LOC101929710 (uncharacterized LOC101929710; plus strand). Cytogenetic location: 5q15.
Variant type: single nucleotide variant.
Coding change: c.1197-9C>T on transcript NM_000439.5 (MANE Select); 9 bases into the intron before coding-DNA position 1197, C replaced by T.
Molecular consequence: intron variant.
Genome position (GRCh38, 1-based): chr5:96,400,195, G>A on the plus strand (C>T on the coding strand, the complement: PCSK1 is on the minus strand). VCF-style: chr5-96400195-G-A. GRCh37 (hg19) VCF-style: chr5-95735899-G-A.
Other names: c.1056-9C>T (NM_001177875.2).
Identifiers: ClinVar variation 354646 (VCV000354646.22), dbSNP rs200973203, ClinGen allele CA3350260.
Genomic context (GRCh38, chr5:96,400,195, plus strand): 5'-CTCAGAGGTCCAGACAACCAGGTGCTGCATATCTCGCCAGGTGAGATTTGGGCTGGAGGG[G>A]AAGTGACCCAAAGTGTCTTTCAGAGAAAAATGAAGTTTCCTTGCAAAAGCAAGTGCTAAC-3'

ClinVar aggregate classification (germline): Benign/Likely benign. Review status: criteria provided, multiple submitters, no conflicts (2 of 4 stars). 6 submissions from 6 submitters: Benign (2); Likely benign (1). 3 of the submissions do not count toward it. Last evaluated 2025-12-21.

Conditions:
PCSK1-related disorder. Also called: PCSK1-related condition.

Allele frequency attached by ClinVar (database versions not stated): ExAC 0.00188; gnomAD exomes 0.00210; 1000 Genomes Project 30x 0.00359; 1000 Genomes Project 0.00399; ESP Exome Variant Server 0.00100; TOPMed 0.00122; gnomAD 0.00125 and 0.00142.
gnomAD v4.1: 1,763 of 1,592,342 alleles (0.11%); highest among the groups gnomAD compares: East Asian, 0.47%; 14 homozygotes.

Submissions (6):

Labcorp Genetics (formerly Invitae), Labcorp
Classification: Benign. Last evaluated: 2025-12-21. Review status: criteria provided, single submitter. Criteria: Invitae Variant Classification Sherloc (09022015). Collection method: clinical testing. Allele origin: germline.

Blueprint Genetics
Classification: Likely benign. Last evaluated: 2024-11-26. Review status: criteria provided, single submitter. Criteria: ACMG Guidelines, 2015. Collection method: clinical testing. Allele origin: germline.

Genetic Services Laboratory, University of Chicago
Classification: Benign. Last evaluated: 2018-10-19. Review status: criteria provided, single submitter. Criteria: ACMG Guidelines, 2015. Collection method: clinical testing. Allele origin: germline. Affected: no.

PreventionGenetics, part of Exact Sciences
Classification: Benign for PCSK1-related condition. Last evaluated: 2024-02-26. Review status: no assertion criteria provided. Collection method: clinical testing. Allele origin: germline. Not counted in ClinVar's aggregate classification.
Comment: This variant is classified as benign based on ACMG/AMP sequence variant interpretation guidelines (Richards et al. 2015 PMID: 25741868, with internal and published modifications).

Clinical Genetics, Academic Medical Center
Classification: Benign. Review status: no assertion criteria provided. Collection method: clinical testing. Allele origin: germline. Affected: yes. Study: VKGL Data-share Consensus. Not counted in ClinVar's aggregate classification.

Genome Diagnostics Laboratory, University Medical Center Utrecht
Classification: Likely benign. Review status: no assertion criteria provided. Collection method: clinical testing. Allele origin: germline. Affected: yes. Study: VKGL Data-share Consensus. Not counted in ClinVar's aggregate classification.